The following is an entry in ClinVar:

NM_004304.5(ALK):c.3377C>A (p.Ala1126Asp)

Gene: ALK (ALK receptor tyrosine kinase; minus strand). Cytogenetic location: 2p23.2.
Variant type: single nucleotide variant.
Coding change: c.3377C>A on transcript NM_004304.5 (MANE Select); coding-DNA position 3377, C replaced by A.
Protein change: p.Ala1126Asp; replaces alanine 1126 with aspartic acid.
Molecular consequence: missense variant.
Genome position (GRCh38, 1-based): chr2:29,222,590, G>T on the plus strand (C>A on the coding strand, the complement: ALK is on the minus strand). VCF-style: chr2-29222590-G-T. GRCh37 (hg19) VCF-style: chr2-29445456-G-T.
Other names: c.173C>A, p.Ala58Asp (NM_001353765.2); short protein forms A1126D, A58D.
Identifiers: ClinVar variation 2010797 (VCV002010797.4), dbSNP rs2465952711, ClinGen allele CA346464202.

ClinVar aggregate classification (germline): Uncertain significance (1 of 4 stars; one submission).

Conditions:
Neuroblastoma, susceptibility to, 3. Also called: ALK-Related Neuroblastic Tumor Susceptibility. Identifiers: Orphanet 635, MedGen C2751681, MONDO:0013083, OMIM 613014.

Submission:

Labcorp Genetics (formerly Invitae), Labcorp
Classification: Uncertain significance for Neuroblastoma, susceptibility to, 3. Last evaluated: 2022-06-26. Review status: criteria provided, single submitter. Criteria: Invitae Variant Classification Sherloc (09022015). Collection method: clinical testing. Allele origin: germline.
Comment: In summary, the available evidence is currently insufficient to determine the role of this variant in disease. Therefore, it has been classified as a Variant of Uncertain Significance. Algorithms developed to predict the effect of missense changes on protein structure and function (SIFT, PolyPhen-2, Align-GVGD) all suggest that this variant is likely to be disruptive. This variant has not been reported in the literature in individuals affected with ALK-related conditions. This variant is not present in population databases (gnomAD no frequency). This sequence change replaces alanine, which is neutral and non-polar, with aspartic acid, which is acidic and polar, at codon 1126 of the ALK protein (p.Ala1126Asp).